The following is an entry in ClinVar:

ClinVar aggregate classification (germline): Uncertain significance (1 of 4 stars; one submission).

Submission:

Ambry Genetics
Classification: Uncertain significance. Last evaluated: 2026-02-23. Review status: criteria provided, single submitter. Criteria: Ambry Variant Classification Scheme 2023. Collection method: clinical testing. Allele origin: germline.
Comment: The p.E240G variant (also known as c.719A>G), located in coding exon 3 of the GFI1 gene, results from an A to G substitution at nucleotide position 719. The glutamic acid at codon 240 is replaced by glycine, an amino acid with similar properties. This amino acid position is conserved. In addition, this alteration is predicted to be tolerated by in silico analysis. Based on the available evidence, the clinical significance of this variant remains unclear.

NM_005263.5(GFI1):c.719A>G (p.Glu240Gly)

Gene: GFI1 (growth factor independent 1 transcriptional repressor; minus strand). Cytogenetic location: 1p22.1.
Variant type: single nucleotide variant.
Coding change: c.719A>G on transcript NM_005263.5 (MANE Select); coding-DNA position 719, A replaced by G.
Protein change: p.Glu240Gly; replaces glutamic acid 240 with glycine.
Molecular consequence: missense variant.
Genome position (GRCh38, 1-based): chr1:92,480,668, T>C on the plus strand (A>G on the coding strand, the complement: GFI1 is on the minus strand). VCF-style: chr1-92480668-T-C. GRCh37 (hg19) VCF-style: chr1-92946225-T-C.
Other names: c.719A>G, p.Glu240Gly (NM_001127215.3, NM_001127216.3); short protein forms E240G.
Identifiers: ClinVar variation 4827126 (VCV004827126.1).